The following is an entry in ClinVar:

NM_152703.5(SAMD9L):c.2091C>A (p.Asn697Lys)

Gene: SAMD9L (sterile alpha motif domain containing 9 like; minus strand). Cytogenetic location: 7q21.2.
Variant type: single nucleotide variant.
Coding change: c.2091C>A on transcript NM_152703.5 (MANE Select); coding-DNA position 2091, C replaced by A.
Protein change: p.Asn697Lys; replaces asparagine 697 with lysine.
Molecular consequence: missense variant.
Genome position (GRCh38, 1-based): chr7:93,133,881, G>T on the plus strand (C>A on the coding strand, the complement: SAMD9L is on the minus strand). VCF-style: chr7-93133881-G-T. GRCh37 (hg19) VCF-style: chr7-92763194-G-T.
Other names: c.2091C>A, p.Asn697Lys (NM_001350083.2, NM_001350084.2, NM_001350085.2 and 5 more transcripts); short protein forms N697K.
Identifiers: ClinVar variation 4159430 (VCV004159430.1).
Genomic context (GRCh38, chr7:93,133,881, plus strand): 5'-CTTTTCATAACTGTCCCTTTTAACAAAATCTGAAGAATAGTTTTCAGAAGAAAAATAGAA[G>T]TTCCACCAGGATACTTTGCCACCTCGATAAAAGTGTTCTTCTTTTGATTTCTTAAACTCC-3'
Protein context (NP_689916.2, residues 687-707): FYRGGKVSWW[Asn697Lys]FYFSSENYSS

ClinVar aggregate classification (germline): Uncertain significance (1 of 4 stars; one submission).

Conditions:
Inborn genetic diseases. Identifiers: MedGen C0950123, MeSH D030342.

Submission:

Ambry Genetics
Classification: Uncertain significance for Inborn genetic diseases. Last evaluated: 2025-08-22. Review status: criteria provided, single submitter. Criteria: Ambry Variant Classification Scheme 2023. Collection method: clinical testing. Allele origin: germline.
Comment: The p.N697K variant (also known as c.2091C>A), located in coding exon 1 of the SAMD9L gene, results from a C to A substitution at nucleotide position 2091. The asparagine at codon 697 is replaced by lysine, an amino acid with similar properties. This amino acid position is conserved. In addition, this alteration is predicted to be tolerated by in silico analysis. Based on the available evidence, the clinical significance of this variant remains unclear.